The following is an entry in ClinVar:

NM_000179.3(MSH6):c.1957del (p.Gly652_Val653insTer)

Gene: MSH6 (mutS homolog 6; plus strand). Cytogenetic location: 2p16.3.
Variant type: Deletion.
Coding change: c.1957del on transcript NM_000179.3 (MANE Select); coding-DNA position 1957, one base deleted (G; older notation c.1957delG).
Protein change: p.Gly652_Val653insTer.
Molecular consequence: nonsense. On other transcripts: non-coding transcript variant (5), intron variant (2).
Genome position (GRCh38, 1-based): chr2:47,799,940, G deleted; the last of 4 consecutive G bases (chr2:47,799,937-47,799,940); deleting any one gives the same sequence. VCF-style (leftmost placement, unchanged base first): chr2-47799936-TG-T. GRCh37 (hg19) VCF-style: chr2-48027075-TG-T.
Other names: c.1567del, p.Gly522_Val523insTer (NM_001281492.2); c.1051del, p.Gly350_Val351insTer (NM_001281493.2, NM_001281494.2, NM_001406811.1 and 6 more transcripts); c.2053del, p.Gly684_Val685insTer (NM_001406795.1, NM_001406802.1); c.1957del, p.Gly652_Val653insTer (NM_001406796.1, NM_001406798.1, NM_001406800.1 and 3 more transcripts); c.1660del, p.Gly553_Val554insTer (NM_001406797.1, NM_001406801.1, NM_001406805.1 and 10 more transcripts); c.1432del, p.Gly477_Val478insTer (NM_001406799.1, NM_001406806.1, NM_001406807.1); c.1879del, p.Gly626_Val627insTer (NM_001406804.1); c.1963del, p.Gly654_Val655insTer (NM_001406813.1); and 3 more.
Identifiers: ClinVar variation 4819105 (VCV004819105.1).

ClinVar aggregate classification (germline): Pathogenic (1 of 4 stars; one submission).

Conditions:
Lynch syndrome 5 (LYNCH5). Also called: Colorectal cancer, hereditary nonpolyposis, type 5; Hereditary non-polyposis colorectal cancer, type 5. Identifiers: Orphanet 144, MedGen C1833477, MONDO:0013710, OMIM 614350. Disease mechanism: loss of function.

Submission:

Institute of Human Genetics, University of Leipzig Medical Center
Classification: Pathogenic for Lynch syndrome 5. Last evaluated: 2026-02-18. Review status: criteria provided, single submitter. Criteria: ACMG Guidelines, 2015. Collection method: clinical testing. Allele origin: unknown. Inheritance: Autosomal dominant inheritance. Affected: yes.
Comment: Criteria applied: PVS1,PM2_SUP,PP4